The following is an entry in ClinVar:

NM_198859.4(PRICKLE2):c.1597A>G (p.Met533Val)

Gene: PRICKLE2 (prickle planar cell polarity protein 2; minus strand). Cytogenetic location: 3p14.1.
Variant type: single nucleotide variant.
Coding change: c.1597A>G on transcript NM_198859.4 (MANE Select); coding-DNA position 1597, A replaced by G.
Protein change: p.Met533Val; replaces methionine 533 with valine.
Molecular consequence: missense variant.
Genome position (GRCh38, 1-based): chr3:64,146,893, T>C on the plus strand (A>G on the coding strand, the complement: PRICKLE2 is on the minus strand). VCF-style: chr3-64146893-T-C. GRCh37 (hg19) VCF-style: chr3-64132569-T-C.
Other names: c.1597A>G, p.Met533Val (NM_001370528.1); c.1597A>G (NM_198859.3); short protein forms M533V.
Identifiers: ClinVar variation 1406353 (VCV001406353.8), dbSNP rs758585243, ClinGen allele CA2479601.

ClinVar aggregate classification (germline): Uncertain significance. Review status: criteria provided, multiple submitters, no conflicts (2 of 4 stars). 2 submissions from 2 submitters: Uncertain significance (2). Last evaluated 2024-04-08.

Conditions:
Progressive myoclonic epilepsy type 5. Identifiers: Orphanet 402082, MedGen C5190799.

Allele frequency attached by ClinVar (database versions not stated): ExAC 0.00002; gnomAD exomes 0.00002 and 0.00003; TOPMed 0.00002.
gnomAD v4.1: 11 of 1,614,156 alleles (0.00068%); highest among the groups gnomAD compares: East Asian, 0.0067%; no homozygotes.

Submissions (2):

Ambry Genetics
Classification: Uncertain significance. Last evaluated: 2024-04-08. Review status: criteria provided, single submitter. Criteria: Ambry Variant Classification Scheme 2023. Collection method: clinical testing. Allele origin: germline.

Labcorp Genetics (formerly Invitae), Labcorp
Classification: Uncertain significance for Progressive myoclonic epilepsy type 5. Last evaluated: 2023-06-14. Review status: criteria provided, single submitter. Criteria: Invitae Variant Classification Sherloc (09022015). Collection method: clinical testing. Allele origin: germline.
Comment: Advanced modeling of protein sequence and biophysical properties (such as structural, functional, and spatial information, amino acid conservation, physicochemical variation, residue mobility, and thermodynamic stability) performed at Invitae indicates that this missense variant is not expected to disrupt PRICKLE2 protein function. In summary, the available evidence is currently insufficient to determine the role of this variant in disease. Therefore, it has been classified as a Variant of Uncertain Significance. ClinVar contains an entry for this variant (Variation ID: 1406353). This variant has not been reported in the literature in individuals affected with PRICKLE2-related conditions. This variant is present in population databases (rs758585243, gnomAD 0.02%). This sequence change replaces methionine, which is neutral and non-polar, with valine, which is neutral and non-polar, at codon 533 of the PRICKLE2 protein (p.Met533Val).